The following is an entry in ClinVar:

NM_198488.5(SACK1H):c.737+8C>T

Gene: SACK1H (scaffolding CK1 anchoring protein H; minus strand). Cytogenetic location: 8q24.3.
Variant type: single nucleotide variant.
Coding change: c.737+8C>T on transcript NM_198488.5 (MANE Select); 8 bases into the intron after coding-DNA position 737, C replaced by T.
Molecular consequence: intron variant.
Genome position (GRCh38, 1-based): chr8:143,728,959, G>A on the plus strand (C>T on the coding strand, the complement: SACK1H is on the minus strand). VCF-style: chr8-143728959-G-A. GRCh37 (hg19) VCF-style: chr8-144811129-G-A.
Identifiers: ClinVar variation 3056981 (VCV003056981.3), dbSNP rs201111689, ClinGen allele CA4917620.

ClinVar aggregate classification (germline): Likely benign. Review status: criteria provided, single submitter (1 of 4 stars). 2 submissions from 2 submitters: Likely benign (1). 1 of the submissions does not count toward it. Last evaluated 2024-09-13.

Conditions:
FAM83H-related disorder. Also called: FAM83H-related condition.

Allele frequency attached by ClinVar (database versions not stated): ESP Exome Variant Server 0.00008; 1000 Genomes Project 0.00020; 1000 Genomes Project 30x 0.00031; gnomAD exomes 0.00040; ExAC 0.00050; gnomAD 0.00062; TOPMed 0.00105.

Submissions (2):

Blueprint Genetics
Classification: Likely benign. Last evaluated: 2024-09-13. Review status: criteria provided, single submitter. Criteria: ACMG Guidelines, 2015. Collection method: clinical testing. Allele origin: germline.

PreventionGenetics, part of Exact Sciences
Classification: Likely benign for FAM83H-related condition. Last evaluated: 2019-04-30. Review status: no assertion criteria provided. Collection method: clinical testing. Allele origin: germline. Not counted in ClinVar's aggregate classification.
Comment: This variant is classified as likely benign based on ACMG/AMP sequence variant interpretation guidelines (Richards et al. 2015 PMID: 25741868, with internal and published modifications).